The following is an entry in ClinVar:

ClinVar aggregate classification (germline): Uncertain significance (1 of 4 stars; one submission).

Submission:

Labcorp Genetics (formerly Invitae), Labcorp
Classification: Uncertain significance. Last evaluated: 2023-08-10. Review status: criteria provided, single submitter. Criteria: Invitae Variant Classification Sherloc (09022015). Collection method: clinical testing. Allele origin: germline.
Comment: This sequence change replaces leucine, which is neutral and non-polar, with threonine, which is neutral and polar, at codon 650 of the MCM4 protein (p.Leu650Thr). Information on the frequency of this variant in the gnomAD database is not available, as this variant may be reported differently in the database. In summary, the available evidence is currently insufficient to determine the role of this variant in disease. Therefore, it has been classified as a Variant of Uncertain Significance. An algorithm developed to predict the effect of missense changes on protein structure and function (PolyPhen-2) suggests that this variant¬¨‚Ä†is likely to be tolerated. This variant has not been reported in the literature in individuals affected with MCM4-related conditions.

NM_182746.3(MCM4):c.1948_1949delinsAC (p.Leu650Thr)

Gene: MCM4 (minichromosome maintenance complex component 4; plus strand). Cytogenetic location: 8q11.21.
Variant type: Indel.
Coding change: c.1948_1949delinsAC on transcript NM_182746.3 (MANE Select); coding-DNA positions 1948 to 1949, TT replaced by AC.
Protein change: p.Leu650Thr; replaces leucine 650 with threonine.
Molecular consequence: missense variant.
Genome position (GRCh38, 1-based): chr8:47,972,876-47,972,877, TT replaced by AC. VCF-style: chr8-47972876-TT-AC. GRCh37 (hg19) VCF-style: chr8-48885436-TT-AC.
Other names: c.1948_1949delinsAC, p.Leu650Thr (NM_005914.4); short protein forms L650T.
Identifiers: ClinVar variation 2860671 (VCV002860671.2), dbSNP rs2551884987, ClinGen allele CA2739279668.